The following is an entry in ClinVar:

NM_001734.5(C1S):c.899C>T (p.Pro300Leu)

Gene: C1S (complement C1s; plus strand). Cytogenetic location: 12p13.31.
Variant type: single nucleotide variant.
Coding change: c.899C>T on transcript NM_001734.5 (MANE Select); coding-DNA position 899, C replaced by T.
Protein change: p.Pro300Leu; replaces proline 300 with leucine.
Molecular consequence: missense variant.
Genome position (GRCh38, 1-based): chr12:7,066,545, C>T. VCF-style: chr12-7066545-C-T. GRCh37 (hg19) VCF-style: chr12-7173849-C-T.
Other names: c.398C>T, p.Pro133Leu (NM_001346850.2); c.899C>T, p.Pro300Leu (NM_201442.4); short protein forms P133L, P300L.
Identifiers: ClinVar variation 4740696 (VCV004740696.1).

ClinVar aggregate classification (germline): Uncertain significance (1 of 4 stars; one submission).

Submission:

Labcorp Genetics (formerly Invitae), Labcorp
Classification: Uncertain significance. Last evaluated: 2026-01-05. Review status: criteria provided, single submitter. Criteria: Invitae Variant Classification Sherloc (09022015). Collection method: clinical testing. Allele origin: germline.
Comment: This sequence change replaces proline, which is neutral and non-polar, with leucine, which is neutral and non-polar, at codon 300 of the C1S protein (p.Pro300Leu). This variant is not present in population databases (gnomAD no frequency). This variant has not been reported in the literature in individuals affected with C1S-related conditions. Invitae Evidence Modeling of protein sequence and biophysical properties (such as structural, functional, and spatial information, amino acid conservation, physicochemical variation, residue mobility, and thermodynamic stability) indicates that this missense variant is not expected to disrupt C1S protein function with a negative predictive value of 80%. In summary, the available evidence is currently insufficient to determine the role of this variant in disease. Therefore, it has been classified as a Variant of Uncertain Significance.